The following is an entry in ClinVar:

NM_006389.5(HYOU1):c.2369C>A (p.Thr790Asn)

Gene: HYOU1 (hypoxia up-regulated 1; minus strand). Cytogenetic location: 11q23.3.
Variant type: single nucleotide variant.
Coding change: c.2369C>A on transcript NM_006389.5 (MANE Select); coding-DNA position 2369, C replaced by A.
Protein change: p.Thr790Asn; replaces threonine 790 with asparagine.
Molecular consequence: missense variant.
Genome position (GRCh38, 1-based): chr11:119,048,255, G>T on the plus strand (C>A on the coding strand, the complement: HYOU1 is on the minus strand). VCF-style: chr11-119048255-G-T. GRCh37 (hg19) VCF-style: chr11-118918967-G-T.
Other names: c.2369C>A, p.Thr790Asn (NM_001130991.3, NM_001411041.1); short protein forms T790N.
Identifiers: ClinVar variation 3617253 (VCV003617253.2).

ClinVar aggregate classification (germline): Uncertain significance (1 of 4 stars; one submission).

gnomAD v4.1: 3 of 1,611,076 alleles (0.00019%); highest among the groups gnomAD compares: African/African-American, 0.0027%; no homozygotes.

Submission:

Labcorp Genetics (formerly Invitae), Labcorp
Classification: Uncertain significance. Last evaluated: 2025-11-12. Review status: criteria provided, single submitter. Criteria: Invitae Variant Classification Sherloc (09022015). Collection method: clinical testing. Allele origin: germline.
Comment: This sequence change replaces threonine, which is neutral and polar, with asparagine, which is neutral and polar, at codon 790 of the HYOU1 protein (p.Thr790Asn). This variant is not present in population databases (gnomAD no frequency). This variant has not been reported in the literature in individuals affected with HYOU1-related conditions. ClinVar contains an entry for this variant (Variation ID: 3617253). An algorithm developed to predict the effect of missense changes on protein structure and function (PolyPhen-2) suggests that this variant is likely to be tolerated. In summary, the available evidence is currently insufficient to determine the role of this variant in disease. Therefore, it has been classified as a Variant of Uncertain Significance.